The following is an entry in ClinVar:

ClinVar aggregate classification (germline): Likely benign (1 of 4 stars; one submission).

Conditions:
COL11A1-related disorder. Also called: COL11A1-related condition; COL11A1-related disorders.

gnomAD v4.1: 1 of 988,824 alleles (0.0001%); highest among the groups gnomAD compares: South Asian, 0.0013%; no homozygotes.

Submission:

PreventionGenetics, part of Exact Sciences
Classification: Likely benign for COL11A1-related condition. Last evaluated: 2025-07-08. Review status: criteria provided, single submitter. Criteria: ACMG Guidelines, 2015. Collection method: clinical testing. Allele origin: germline.
Comment: This variant is classified as likely benign based on ACMG/AMP sequence variant interpretation guidelines (Richards et al. 2015 PMID: 25741868, with internal and published modifications).

NM_001854.4(COL11A1):c.781-69G>T

Gene: COL11A1 (collagen type XI alpha 1 chain; minus strand). Cytogenetic location: 1p21.1.
Variant type: single nucleotide variant.
Coding change: c.781-69G>T on transcript NM_001854.4 (MANE Select); 69 bases into the intron before coding-DNA position 781, G replaced by T.
Molecular consequence: intron variant.
Genome position (GRCh38, 1-based): chr1:103,026,401, C>A on the plus strand (G>T on the coding strand, the complement: COL11A1 is on the minus strand). VCF-style: chr1-103026401-C-A. GRCh37 (hg19) VCF-style: chr1-103491957-C-A.
Other names: c.781-788G>T (NM_001190709.2); c.781-449G>T (NM_080629.3); c.781-69G>T (NM_080630.4).
Identifiers: ClinVar variation 4997905 (VCV004997905.1).